The following is an entry in ClinVar:

NM_032119.4(ADGRV1):c.5460_5461del (p.Arg1820fs)

Gene: ADGRV1 (adhesion G protein-coupled receptor V1; plus strand). Cytogenetic location: 5q14.3.
Variant type: Deletion.
Coding change: c.5460_5461del on transcript NM_032119.4 (MANE Select); coding-DNA positions 5460 to 5461, 2 bases deleted (GG; older notation c.5460_5461delGG).
Protein change: p.Arg1820fs; shifts the reading frame from arginine 1820.
Molecular consequence: frameshift variant. On other transcripts: non-coding transcript variant (1).
Genome position (GRCh38, 1-based): chr5:90,679,565-90,679,566, GG deleted; deleting any 2 consecutive bases within chr5:90,679,564-90,679,566 gives the same sequence; the c. name uses the placement nearest the transcript's 3' end. VCF-style (leftmost placement, unchanged base first): chr5-90679563-AGG-A. GRCh37 (hg19) VCF-style: chr5-89975380-AGG-A.
Other names: short protein forms R1820fs.
Identifiers: ClinVar variation 4734629 (VCV004734629.1).

ClinVar aggregate classification (germline): Pathogenic (1 of 4 stars; one submission).

Submission:

Labcorp Genetics (formerly Invitae), Labcorp
Classification: Pathogenic. Last evaluated: 2026-01-09. Review status: criteria provided, single submitter. Criteria: Invitae Variant Classification Sherloc (09022015). Collection method: clinical testing. Allele origin: germline.
Comment: This sequence change creates a premature translational stop signal (p.Arg1820Serfs*2) in the ADGRV1 gene. It is expected to result in an absent or disrupted protein product. Loss-of-function variants in ADGRV1 are known to be pathogenic (PMID: 19357117, 22135276, 22147658, 26226137, 30718709, 31047384, 32467589). This variant is not present in population databases (gnomAD no frequency). This variant has not been reported in the literature in individuals affected with ADGRV1-related conditions. For these reasons, this variant has been classified as Pathogenic.

Literature cited by the submitters: PubMed 19357117; PubMed 22135276; PubMed 22147658; PubMed 26226137; PubMed 30718709; PubMed 31047384; PubMed 32467589.